The following is an entry in ClinVar:

NM_001008537.3(NEXMIF):c.4502T>A (p.Val1501Asp)

Gene: NEXMIF (neurite extension and migration factor; minus strand). Cytogenetic location: Xq13.3.
Variant type: single nucleotide variant.
Coding change: c.4502T>A on transcript NM_001008537.3 (MANE Select); coding-DNA position 4502, T replaced by A.
Protein change: p.Val1501Asp; replaces valine 1501 with aspartic acid.
Molecular consequence: missense variant.
Genome position (GRCh38, 1-based): chrX:74,739,454, A>T on the plus strand (T>A on the coding strand, the complement: NEXMIF is on the minus strand). VCF-style: chrX-74739454-A-T. GRCh37 (hg19) VCF-style: chrX-73959289-A-T.
Other names: short protein forms V1501D.
Identifiers: ClinVar variation 1000544 (VCV001000544.8), dbSNP rs2080094736, ClinGen allele CA413662925.
Genomic context (GRCh38, chrX:74,739,454, plus strand): 5'-AAACACAAACATCAAATGTCTTTCTGGAAAATGCGAGTCTCTTCTTCAAACACAGGTAAA[A>T]CCCAAAAGGTTGTTTCTGCTTTTAGGAGATTGTAGTCGGAATCCCTGCAGAAAAATCAAA-3'
Protein context (NP_001008537.1, residues 1491-1511): NLLKAETTFW[Val1501Asp]LPVFEEETRI

ClinVar aggregate classification (germline): Uncertain significance (1 of 4 stars; one submission).

Allele frequency attached by ClinVar (database versions not stated): gnomAD exomes below 0.00001.
gnomAD v4.1: 1 of 1,201,306 alleles (0.000083%); highest among the groups gnomAD compares: Admixed American, 0.0023%; no homozygotes.

Submission:

Labcorp Genetics (formerly Invitae), Labcorp
Classification: Uncertain significance. Last evaluated: 2023-08-10. Review status: criteria provided, single submitter. Criteria: Invitae Variant Classification Sherloc (09022015). Collection method: clinical testing. Allele origin: germline.
Comment: This sequence change replaces valine, which is neutral and non-polar, with aspartic acid, which is acidic and polar, at codon 1501 of the NEXMIF protein (p.Val1501Asp). This variant is not present in population databases (gnomAD no frequency). This variant has not been reported in the literature in individuals affected with NEXMIF-related conditions. ClinVar contains an entry for this variant (Variation ID: 1000544). Algorithms developed to predict the effect of missense changes on protein structure and function output the following: SIFT: "Not Available"; PolyPhen-2: "Probably Damaging"; Align-GVGD: "Not Available". The aspartic acid amino acid residue is found in multiple mammalian species, which suggests that this missense change does not adversely affect protein function. In summary, the available evidence is currently insufficient to determine the role of this variant in disease. Therefore, it has been classified as a Variant of Uncertain Significance.